The following is an entry in ClinVar:

ClinVar aggregate classification (germline): Uncertain significance. Review status: criteria provided, multiple submitters, no conflicts (2 of 4 stars). 2 submissions from 2 submitters: Uncertain significance (2). Last evaluated 2023-12-13.

Conditions:
Familial thoracic aortic aneurysm and aortic dissection (TAAD). Also called: Thoracic aortic aneurysms and dissections. Identifiers: Orphanet 91387, MedGen C4707243, MONDO:0019625.

Submissions (2):

All of Us Research Program, National Institutes of Health
Classification: Uncertain significance for Familial thoracic aortic aneurysm and aortic dissection. Last evaluated: 2023-12-13. Review status: criteria provided, single submitter. Criteria: ACMG Guidelines, 2015. Collection method: clinical testing. Allele origin: germline. Inheritance: Autosomal dominant inheritance. Observed: 1 variant allele, 1 heterozygote.
Comment: This missense variant replaces glutamic acid with glutamine at codon 64 of the MYH11 protein. Computational prediction is inconclusive regarding the impact of this variant on protein structure and function (internally defined REVEL score threshold 0.5 < inconclusive < 0.7, PMID: 27666373). To our knowledge, functional studies have not been reported for this variant. This variant has not been reported in individuals affected with MYH11-related disorders in the literature. This variant has not been identified in the general population by the Genome Aggregation Database (gnomAD). The available evidence is insufficient to determine the role of this variant in disease conclusively. Therefore, this variant is classified as a Variant of Uncertain Significance.

This study involves interpretation of variants in research participants for the purpose of population health screening. Participant phenotype was not available at the time of variant classification. Additional details can be found in publication PMID: 35346344, PMCID: PMC8962531

Ambry Genetics
Classification: Uncertain significance for Familial thoracic aortic aneurysm and aortic dissection. Last evaluated: 2015-04-20. Review status: criteria provided, single submitter. Criteria: Ambry Variant Classification Scheme 2023. Collection method: clinical testing. Allele origin: germline.
Comment: The p.E64Q variant (also known as c.190G>C), located in coding exon 1 of the MYH11 gene, results from a G to C substitution at nucleotide position 190. The glutamic acid at codon 64 is replaced by glutamine, an amino acid with some similar properties. This variant was not reported in population based cohorts in the following databases: Database of Single Nucleotide Polymorphisms (dbSNP), NHLBI Exome Sequencing Project (ESP), and 1000 Genomes Project. In the ESP, this variant was not observed in 6497 samples (12994 alleles) with coverage at this position. This amino acid position is highly conserved in available vertebrate species. In addition, this alteration is predicted to be possibly damaging but tolerated by PolyPhen and SIFT in silico analyses, respectively. Since supporting evidence is limited at this time, the clinical significance of this variant remains unclear.

NM_002474.3(MYH11):c.190G>C (p.Glu64Gln)

Gene: MYH11 (myosin heavy chain 11; minus strand). Cytogenetic location: 16p13.11.
Variant type: single nucleotide variant.
Coding change: c.190G>C on transcript NM_002474.3 (MANE Select); coding-DNA position 190, G replaced by C.
Protein change: p.Glu64Gln; replaces glutamic acid 64 with glutamine.
Molecular consequence: missense variant.
Genome position (GRCh38, 1-based): chr16:15,838,063, C>G on the plus strand (G>C on the coding strand, the complement: MYH11 is on the minus strand). VCF-style: chr16-15838063-C-G. GRCh37 (hg19) VCF-style: chr16-15931920-C-G.
Other names: c.190G>C, p.Glu64Gln (NM_001040113.2, NM_001040114.2, NM_022844.3); short protein forms E64Q.
Identifiers: ClinVar variation 263977 (VCV000263977.6), dbSNP rs886038997, ClinGen allele CA10587901.